The following is an entry in ClinVar:

ClinVar aggregate classification (germline): Likely benign (1 of 4 stars; one submission).

Conditions:
Citrullinemia type II. Also called: Citrullinemia Type II (CTLN2). Identifiers: Orphanet 247585, MedGen C1863844, MONDO:0016603.

Allele frequency attached by ClinVar (database versions not stated): gnomAD exomes 0.00028 and 0.00049; ExAC 0.00032; 1000 Genomes Project 0.00240; 1000 Genomes Project 30x 0.00250; gnomAD 0.00279 and 0.00299; TOPMed 0.00313.
gnomAD v4.1: 514 of 454,454 alleles (0.11%); highest among the groups gnomAD compares: African/African-American, 0.94%; 1 homozygote.

Submission:

Illumina Laboratory Services, Illumina
Classification: Likely benign for Citrullinemia, type II, adult-onset. Last evaluated: 2018-01-12. Review status: criteria provided, single submitter. Criteria: ICSL Variant Classification Criteria 13 December 2019. Collection method: clinical testing. Allele origin: germline.
Comment: This variant was observed in the ICSL laboratory as part of a predisposition screen in an ostensibly healthy population. It had not been previously curated by ICSL or reported in the Human Gene Mutation Database (HGMD: prior to June 1st, 2018), and was therefore a candidate for classification through an automated scoring system. Utilizing variant allele frequency, disease prevalence and penetrance estimates, and inheritance mode, an automated score was calculated to assess if this variant is too frequent to cause the disease. Based on the score and internal cut-off values, a variant classified as likely benign is not then subjected to further curation. The score for this variant resulted in a classification of likely benign for this disease.

NM_014251.3(SLC25A13):c.*570G>A

Gene: SLC25A13 (solute carrier family 25 member 13; minus strand). Cytogenetic location: 7q21.3.
Variant type: single nucleotide variant.
Coding change: c.*570G>A on transcript NM_014251.3 (MANE Select); 570 bases downstream of the stop codon, G replaced by A.
Molecular consequence: 3 prime UTR variant. On other transcripts: non-coding transcript variant (1).
Genome position (GRCh38, 1-based): chr7:96,120,621, C>T on the plus strand (G>A on the coding strand, the complement: SLC25A13 is on the minus strand). VCF-style: chr7-96120621-C-T. GRCh37 (hg19) VCF-style: chr7-95749933-C-T.
Other names: c.*570G>A (NM_001160210.2).
Identifiers: ClinVar variation 361002 (VCV000361002.7), dbSNP rs147716687, ClinGen allele CA4352684.